The following is an entry in ClinVar:

ClinVar aggregate classification (germline): Benign. Review status: criteria provided, multiple submitters, no conflicts (2 of 4 stars). 2 submissions from 2 submitters: Benign (2). Last evaluated 2018-01-12.

Conditions:
Glycogen storage disease type III (GSD3). Also called: FORBES DISEASE; Cori disease. Identifiers: Orphanet 366, MedGen C0017922, MONDO:0009291, OMIM 232400.

Allele frequency attached by ClinVar (database versions not stated): 1000 Genomes Project 30x 0.00828; 1000 Genomes Project 0.00839; TOPMed 0.01040; gnomAD 0.01292 and 0.01299.

Submissions (2):

Illumina Laboratory Services, Illumina
Classification: Benign for Glycogen storage disease type III. Last evaluated: 2018-01-12. Review status: criteria provided, single submitter. Criteria: ICSL Variant Classification Criteria 13 December 2019. Collection method: clinical testing. Allele origin: germline.
Comment: This variant was observed in the ICSL laboratory as part of a predisposition screen in an ostensibly healthy population. It had not been previously curated by ICSL or reported in the Human Gene Mutation Database (HGMD: prior to June 1st, 2018), and was therefore a candidate for classification through an automated scoring system. Utilizing variant allele frequency, disease prevalence and penetrance estimates, and inheritance mode, an automated score was calculated to assess if this variant is too frequent to cause the disease. Based on the score and internal cut-off values, a variant classified as benign is not then subjected to further curation. The score for this variant resulted in a classification of benign for this disease.

Breakthrough Genomics
Classification: Benign. Review status: criteria provided, single submitter. Criteria: ACMG Guidelines, 2015. Collection method: not provided. Allele origin: germline. Inheritance: Autosomal recessive inheritance. Affected: yes.

NM_000642.3(AGL):c.*739A>G

Gene: AGL (amylo-alpha-1,6-glucosidase and 4-alpha-glucanotransferase; plus strand). Cytogenetic location: 1p21.2.
Variant type: single nucleotide variant.
Coding change: c.*739A>G on transcript NM_000642.3 (MANE Select); 739 bases downstream of the stop codon, A replaced by G.
Molecular consequence: 3 prime UTR variant.
Genome position (GRCh38, 1-based): chr1:99,922,390, A>G. VCF-style: chr1-99922390-A-G. GRCh37 (hg19) VCF-style: chr1-100387946-A-G.
Other names: c.*739A>G (NM_000028.3, NM_000643.3, NM_000644.3 and 7 more transcripts).
Identifiers: ClinVar variation 291360 (VCV000291360.6), dbSNP rs41285742, ClinGen allele CA10610906.